The following is an entry in ClinVar:

ClinVar aggregate classification (germline): Uncertain significance (1 of 4 stars; one submission).

Conditions:
Candidiasis, familial, 6 (CANDF6). Also called: Candidiasis, familial, 6, autosomal dominant. Identifiers: Orphanet 1334, MedGen C3151405, MONDO:0013503, OMIM 613956.

Allele frequency attached by ClinVar (database versions not stated): TOPMed below 0.00001; ExAC 0.00002.
gnomAD v4.1: 3 of 1,614,244 alleles (0.00019%); highest among the groups gnomAD compares: Admixed American, 0.005%; no homozygotes.

Submission:

Labcorp Genetics (formerly Invitae), Labcorp
Classification: Uncertain significance for Candidiasis, familial, 6. Last evaluated: 2022-03-04. Review status: criteria provided, single submitter. Criteria: Invitae Variant Classification Sherloc (09022015). Collection method: clinical testing. Allele origin: germline.
Comment: In summary, the available evidence is currently insufficient to determine the role of this variant in disease. Therefore, it has been classified as a Variant of Uncertain Significance. Algorithms developed to predict the effect of missense changes on protein structure and function are either unavailable or do not agree on the potential impact of this missense change (SIFT: "Deleterious"; PolyPhen-2: "Possibly Damaging"; Align-GVGD: "Class C0"). This variant has not been reported in the literature in individuals affected with IL17F-related conditions. This variant is present in population databases (rs780259967, gnomAD 0.003%). This sequence change replaces threonine, which is neutral and polar, with asparagine, which is neutral and polar, at codon 127 of the IL17F protein (p.Thr127Asn).

NM_052872.4(IL17F):c.380C>A (p.Thr127Asn)

Gene: IL17F (interleukin 17F; minus strand). Cytogenetic location: 6p12.2.
Variant type: single nucleotide variant.
Coding change: c.380C>A on transcript NM_052872.4 (MANE Select); coding-DNA position 380, C replaced by A.
Protein change: p.Thr127Asn; replaces threonine 127 with asparagine.
Molecular consequence: missense variant.
Genome position (GRCh38, 1-based): chr6:52,237,043, G>T on the plus strand (C>A on the coding strand, the complement: IL17F is on the minus strand). VCF-style: chr6-52237043-G-T. GRCh37 (hg19) VCF-style: chr6-52101841-G-T.
Other names: short protein forms T127N.
Identifiers: ClinVar variation 2044574 (VCV002044574.4), dbSNP rs780259967, ClinGen allele CA3854366.